The following is an entry in ClinVar:

NM_016034.5(MRPS2):c.46G>A (p.Ala16Thr)

Gene: MRPS2 (mitochondrial ribosomal protein S2; plus strand). Cytogenetic location: 9q34.3.
Variant type: single nucleotide variant.
Coding change: c.46G>A on transcript NM_016034.5 (MANE Select); coding-DNA position 46, G replaced by A.
Protein change: p.Ala16Thr; replaces alanine 16 with threonine.
Molecular consequence: missense variant. On other transcripts: non-coding transcript variant (4).
Genome position (GRCh38, 1-based): chr9:135,501,000, G>A. VCF-style: chr9-135501000-G-A. GRCh37 (hg19) VCF-style: chr9-138392846-G-A.
Other names: c.46G>A, p.Ala16Thr (NM_001371401.1); short protein forms A16T.
Identifiers: ClinVar variation 2705527 (VCV002705527.2), dbSNP rs1831102361, ClinGen allele CA375481346.
Genomic context (GRCh38, chr9:135,501,000, plus strand): 5'-GGAGCGGGCGTGGTGCATTCGGGACTCGGCGCCAGGACCTCTATCTACTTCCCCCCAGGT[G>A]CCCGGGCCCCGTCGCGCTGGTTGGGCTTTCTCGGGAAGGCGACCCCCCGGCCTGCTCGGC-3'
Protein context (NP_057118.1, residues 6-26): AALPRILGAG[Ala16Thr]RAPSRWLGFL

ClinVar aggregate classification (germline): Uncertain significance (1 of 4 stars; one submission).

Allele frequency attached by ClinVar (database versions not stated): gnomAD exomes below 0.00001; TOPMed below 0.00001.
gnomAD v4.1: 3 of 1,611,778 alleles (0.00019%); highest among the groups gnomAD compares: Non-Finnish European, 0.000085%; no homozygotes.

Submission:

Labcorp Genetics (formerly Invitae), Labcorp
Classification: Uncertain significance. Last evaluated: 2023-11-04. Review status: criteria provided, single submitter. Criteria: Invitae Variant Classification Sherloc (09022015). Collection method: clinical testing. Allele origin: germline.
Comment: This sequence change replaces alanine, which is neutral and non-polar, with threonine, which is neutral and polar, at codon 16 of the MRPS2 protein (p.Ala16Thr). This variant is not present in population databases (gnomAD no frequency). This variant has not been reported in the literature in individuals affected with MRPS2-related conditions. An algorithm developed to predict the effect of missense changes on protein structure and function (PolyPhen-2) suggests that this variant¬¨‚Ä†is likely to be tolerated. In summary, the available evidence is currently insufficient to determine the role of this variant in disease. Therefore, it has been classified as a Variant of Uncertain Significance.